The following is an entry in ClinVar:

ClinVar aggregate classification (germline): Uncertain significance. Review status: criteria provided, single submitter (1 of 4 stars). 2 submissions from 2 submitters: Uncertain significance (1). 1 of the submissions does not count toward it. Last evaluated 2022-02-04.

Conditions:
Autosomal recessive limb-girdle muscular dystrophy type 2B (LGMDR2). Also called: MUSCULAR DYSTROPHY, LIMB-GIRDLE, AUTOSOMAL RECESSIVE 2; MUSCULAR DYSTROPHY, LIMB-GIRDLE, TYPE 3; Limb-girdle muscular dystrophy, type 2B; Limb-Girdle Muscular Dystrophy Type 2B (LGMD2B). Identifiers: Orphanet 268, MedGen C1850889, MONDO:0009676, OMIM 253601.
Neuromuscular disease caused by qualitative or quantitative defects of dysferlin. Also called: Dysferlinopathy; Qualitative or quantitative defects of dysferlin. Identifiers: Orphanet 207073, MedGen C2931687, MONDO:0016145.

Submissions (2):

Labcorp Genetics (formerly Invitae), Labcorp
Classification: Uncertain significance for Neuromuscular disease caused by qualitative or quantitative defects of dysferlin. Last evaluated: 2022-02-04. Review status: criteria provided, single submitter. Criteria: Invitae Variant Classification Sherloc (09022015). Collection method: clinical testing. Allele origin: germline.
Comment: In summary, the available evidence is currently insufficient to determine the role of this variant in disease. Therefore, it has been classified as a Variant of Uncertain Significance. Variants that disrupt the consensus splice site are a relatively common cause of aberrant splicing (PMID: 17576681, 9536098). Algorithms developed to predict the effect of sequence changes on RNA splicing suggest that this variant is not likely to affect RNA splicing. ClinVar contains an entry for this variant (Variation ID: 555289). This variant has not been reported in the literature in individuals affected with DYSF-related conditions. This variant is not present in population databases (gnomAD no frequency). This sequence change falls in intron 49 of the DYSF gene. It does not directly change the encoded amino acid sequence of the DYSF protein. It affects a nucleotide within the consensus splice site.

Counsyl
Classification: Uncertain significance for Autosomal recessive limb-girdle muscular dystrophy type 2B. Last evaluated: 2017-11-30. Review status: no assertion criteria provided. Collection method: clinical testing. Allele origin: unknown. Not counted in ClinVar's aggregate classification.

Literature cited by the submitters: PubMed 17576681 (cited by Labcorp Genetics (formerly Invitae), Labcorp); PubMed 9536098 (cited by Labcorp Genetics (formerly Invitae), Labcorp).

NM_001130987.2(DYSF):c.5642+3dup

Gene: DYSF (dysferlin; plus strand). Cytogenetic location: 2p13.2.
Variant type: Duplication.
Coding change: c.5642+3dup on transcript NM_001130987.2 (MANE Select); 3 bases into the intron after coding-DNA position 5642, one base duplicated (A; older notation c.5642+3dupA).
Molecular consequence: intron variant.
Genome position (GRCh38, 1-based): chr2:71,669,210, A duplicated. VCF-style (leftmost placement, unchanged base first): chr2-71669209-T-TA. GRCh37 (hg19) VCF-style: chr2-71896339-T-TA.
Other names: c.5618+3dup (NM_001130979.2); c.5639+3dup (NM_001130981.2); c.5576+3dup (NM_001130980.2); c.5588+3dup (NM_001130978.2); c.5525+3dup (NM_003494.4); c.5546+3dup (NM_001130977.2); c.5483+3dup (NM_001130976.2); c.5621+3dup (NM_001130982.2); and 7 more.
Identifiers: ClinVar variation 555289 (VCV000555289.11), dbSNP rs1341734203, ClinGen allele CA658821129.